The following is an entry in ClinVar:

ClinVar aggregate classification (germline): Benign/Likely benign. Review status: criteria provided, multiple submitters, no conflicts (2 of 4 stars). 2 submissions from 2 submitters: Benign (1); Likely benign (1). Last evaluated 2023-06-01.

Conditions:
Seizures, benign familial neonatal, 2. Also called: CONVULSIONS, BENIGN FAMILIAL NEONATAL, 2; Benign Neonatal Epilepsy 2; Seizures, benign neonatal, 2; KCNQ3-Related Benign Familial Neonatal Epilepsy; KCNQ3-Related Self-Limited Familial Neonatal Epilepsy (SLFNE). Identifiers: Orphanet 1949, MedGen C1852581, MONDO:0007366, OMIM 121201.

Allele frequency attached by ClinVar (database versions not stated): 1000 Genomes Project 30x 0.00141; gnomAD 0.00149 and 0.00150; 1000 Genomes Project 0.00160; TOPMed 0.00187.

Submissions (2):

CeGaT Center for Human Genetics Tuebingen
Classification: Likely benign. Last evaluated: 2023-06-01. Review status: criteria provided, single submitter. Criteria: CeGaT Center For Human Genetics Tuebingen Variant Classification Criteria Version 2. Collection method: clinical testing. Allele origin: germline. Affected: yes. Observed: 3 variant alleles.
Comment: KCNQ3: BS1

Illumina Laboratory Services, Illumina
Classification: Benign for Seizures, benign familial neonatal, 2. Last evaluated: 2018-01-13. Review status: criteria provided, single submitter. Criteria: ICSL Variant Classification Criteria 13 December 2019. Collection method: clinical testing. Allele origin: germline.
Comment: This variant was observed in the ICSL laboratory as part of a predisposition screen in an ostensibly healthy population. It had not been previously curated by ICSL or reported in the Human Gene Mutation Database (HGMD: prior to June 1st, 2018), and was therefore a candidate for classification through an automated scoring system. Utilizing variant allele frequency, disease prevalence and penetrance estimates, and inheritance mode, an automated score was calculated to assess if this variant is too frequent to cause the disease. Based on the score and internal cut-off values, a variant classified as benign is not then subjected to further curation. The score for this variant resulted in a classification of benign for this disease.

NM_004519.4(KCNQ3):c.*5965T>C

Gene: KCNQ3 (potassium voltage-gated channel subfamily Q member 3; minus strand). Cytogenetic location: 8q24.22.
Variant type: single nucleotide variant.
Coding change: c.*5965T>C on transcript NM_004519.4 (MANE Select); 5965 bases downstream of the stop codon, T replaced by C.
Molecular consequence: 3 prime UTR variant.
Genome position (GRCh38, 1-based): chr8:132,123,297, A>G on the plus strand (T>C on the coding strand, the complement: KCNQ3 is on the minus strand). VCF-style: chr8-132123297-A-G. GRCh37 (hg19) VCF-style: chr8-133135544-A-G.
Other names: c.*5965T>C (NM_001204824.2).
Identifiers: ClinVar variation 361783 (VCV000361783.33), dbSNP rs537622929, ClinGen allele CA10627024.